The following is an entry in ClinVar:

ClinVar aggregate classification (germline): Uncertain significance (1 of 4 stars; one submission).

Allele frequency attached by ClinVar (database versions not stated): gnomAD 0.00001; TOPMed 0.00003; gnomAD exomes 0.00004.
gnomAD v4.1: 68 of 1,613,950 alleles (0.0042%); highest among the groups gnomAD compares: Non-Finnish European, 0.0055%; no homozygotes.

Submission:

Labcorp Genetics (formerly Invitae), Labcorp
Classification: Uncertain significance. Last evaluated: 2024-05-15. Review status: criteria provided, single submitter. Criteria: Invitae Variant Classification Sherloc (09022015). Collection method: clinical testing. Allele origin: germline.
Comment: This sequence change replaces serine, which is neutral and polar, with threonine, which is neutral and polar, at codon 967 of the EMC1 protein (p.Ser967Thr). This variant is present in population databases (rs751463146, gnomAD 0.005%). This variant has not been reported in the literature in individuals affected with EMC1-related conditions. Advanced modeling of protein sequence and biophysical properties (such as structural, functional, and spatial information, amino acid conservation, physicochemical variation, residue mobility, and thermodynamic stability) has been performed at Invitae for this missense variant, however the output from this modeling did not meet the statistical confidence thresholds required to predict the impact of this variant on EMC1 protein function. In summary, the available evidence is currently insufficient to determine the role of this variant in disease. Therefore, it has been classified as a Variant of Uncertain Significance.

NM_015047.3(EMC1):c.2900G>C (p.Ser967Thr)

Genes: EMC1 (ER membrane protein complex subunit 1; minus strand), EMC1-AS1 (EMC1 antisense RNA 1; plus strand). Cytogenetic location: 1p36.13.
Variant type: single nucleotide variant.
Coding change: c.2900G>C on transcript NM_015047.3 (MANE Select); coding-DNA position 2900, G replaced by C.
Protein change: p.Ser967Thr; replaces serine 967 with threonine.
Molecular consequence: missense variant.
Genome position (GRCh38, 1-based): chr1:19,219,385, C>G on the plus strand (G>C on the coding strand, the complement: EMC1 is on the minus strand). VCF-style: chr1-19219385-C-G. GRCh37 (hg19) VCF-style: chr1-19545879-C-G.
Other names: c.2897G>C, p.Ser966Thr (NM_001271427.2, NM_001271428.2); c.2834G>C, p.Ser945Thr (NM_001271429.2); c.2909G>C, p.Ser970Thr (NM_001375820.1); c.2906G>C, p.Ser969Thr (NM_001375821.1); short protein forms S945T, S967T, S966T, S969T, S970T.
Identifiers: ClinVar variation 2988839 (VCV002988839.3), dbSNP rs751463146, ClinGen allele CA18808059.